The following is an entry in ClinVar:

NM_001304438.2(TMEM132E):c.809G>A (p.Arg270His)

Gene: TMEM132E (transmembrane protein 132E; plus strand). Cytogenetic location: 17q12.
Variant type: single nucleotide variant.
Coding change: c.809G>A on transcript NM_001304438.2 (MANE Select); coding-DNA position 809, G replaced by A.
Protein change: p.Arg270His; replaces arginine 270 with histidine.
Molecular consequence: missense variant.
Genome position (GRCh38, 1-based): chr17:34,626,868, G>A. VCF-style: chr17-34626868-G-A. GRCh37 (hg19) VCF-style: chr17-32953887-G-A.
Other names: NM_207313.1:c.539G>A; c.809G>A (NM_001304438.1); short protein forms R270H.
Identifiers: ClinVar variation 1354919 (VCV001354919.9), dbSNP rs570477617, ClinGen allele CA8496487.

ClinVar aggregate classification (germline): Uncertain significance. Review status: criteria provided, multiple submitters, no conflicts (2 of 4 stars). 4 submissions from 4 submitters: Uncertain significance (4). Last evaluated 2026-08-19.

Conditions:
TMEM132E-related disorder. Also called: TMEM132E-related condition.
Hearing loss, autosomal recessive 99. Also called: DEAFNESS, AUTOSOMAL RECESSIVE 99. Identifiers: MedGen C4760579, MONDO:0032776, OMIM 618481.

Allele frequency attached by ClinVar (database versions not stated): gnomAD 0.00001 and 0.00002; TOPMed 0.00002; 1000 Genomes Project 30x 0.00016; 1000 Genomes Project 0.00020.

Submissions (4):

PreventionGenetics, part of Exact Sciences
Classification: Uncertain significance for TMEM132E-related condition. Last evaluated: 2026-08-19. Review status: criteria provided, single submitter. Criteria: ACMG Guidelines, 2015. Collection method: clinical testing. Allele origin: germline.
Comment: The TMEM132E c.809G>A variant is predicted to result in the amino acid substitution p.Arg270His. To our knowledge, this variant has not been reported in the literature. This variant is reported in 0.061% of alleles in individuals of East Asian descent in gnomAD. At this time, the clinical significance of this variant is uncertain due to the absence of conclusive functional and genetic evidence.

Ambry Genetics
Classification: Uncertain significance. Last evaluated: 2023-12-21. Review status: criteria provided, single submitter. Criteria: Ambry Variant Classification Scheme 2023. Collection method: clinical testing. Allele origin: germline.

Labcorp Genetics (formerly Invitae), Labcorp
Classification: Uncertain significance. Last evaluated: 2022-04-08. Review status: criteria provided, single submitter. Criteria: Invitae Variant Classification Sherloc (09022015). Collection method: clinical testing. Allele origin: germline.
Comment: This sequence change replaces arginine, which is basic and polar, with histidine, which is basic and polar, at codon 270 of the TMEM132E protein (p.Arg270His). This variant is present in population databases (rs570477617, gnomAD 0.05%). This variant has not been reported in the literature in individuals affected with TMEM132E-related conditions. Algorithms developed to predict the effect of missense changes on protein structure and function are either unavailable or do not agree on the potential impact of this missense change (SIFT: "Tolerated"; PolyPhen-2: "Not Available"; Align-GVGD: "Class C0"). In summary, the available evidence is currently insufficient to determine the role of this variant in disease. Therefore, it has been classified as a Variant of Uncertain Significance.

Fulgent Genetics
Classification: Uncertain significance for Hearing loss, autosomal recessive 99. Last evaluated: 2022-02-02. Review status: criteria provided, single submitter. Criteria: ACMG Guidelines, 2015. Collection method: clinical testing. Allele origin: unknown.